The following is an entry in ClinVar:

ClinVar aggregate classification (germline): Likely benign (0 of 4 stars; one submission).

Conditions:
HRG-related disorder. Also called: HRG-related condition.

Allele frequency attached by ClinVar (database versions not stated): gnomAD exomes below 0.00001; ExAC 0.00001; gnomAD 0.00001; TOPMed 0.00002; 1000 Genomes Project 0.00020; 1000 Genomes Project 30x 0.00031.
gnomAD v4.1: 5 of 1,614,026 alleles (0.00031%); highest among the groups gnomAD compares: Admixed American, 0.0083%; no homozygotes.

Submission:

PreventionGenetics, part of Exact Sciences
Classification: Likely benign for HRG-related condition. Last evaluated: 2019-02-28. Review status: no assertion criteria provided. Collection method: clinical testing. Allele origin: germline.
Comment: This variant is classified as likely benign based on ACMG/AMP sequence variant interpretation guidelines (Richards et al. 2015 PMID: 25741868, with internal and published modifications).

NM_000412.5(HRG):c.822C>G (p.Thr274=)

Gene: HRG (histidine rich glycoprotein; plus strand). Cytogenetic location: 3q27.3.
Variant type: single nucleotide variant.
Coding change: c.822C>G on transcript NM_000412.5 (MANE Select); coding-DNA position 822, C replaced by G.
Protein change: p.Thr274=; no amino-acid change (threonine 274 retained).
Molecular consequence: synonymous variant.
Genome position (GRCh38, 1-based): chr3:186,677,127, C>G. VCF-style: chr3-186677127-C-G. GRCh37 (hg19) VCF-style: chr3-186394916-C-G.
Identifiers: ClinVar variation 3058193 (VCV003058193.2), dbSNP rs200979058, ClinGen allele CA2745816.